The following is an entry in ClinVar:

ClinVar aggregate classification (germline): Uncertain significance (1 of 4 stars; one submission).

Conditions:
Hereditary cancer-predisposing syndrome. Also called: Neoplastic Syndromes, Hereditary; Tumor predisposition; Hereditary neoplastic syndrome; Hereditary Cancer Syndrome. Identifiers: Orphanet 140162, MedGen C0027672, MeSH D009386, MONDO:0015356.

Submission:

Ambry Genetics
Classification: Uncertain significance for Hereditary cancer-predisposing syndrome. Last evaluated: 2024-06-16. Review status: criteria provided, single submitter. Criteria: Ambry Variant Classification Scheme 2023. Collection method: clinical testing. Allele origin: germline.
Comment: The p.A1375G variant (also known as c.4124C>G), located in coding exon 27 of the ATM gene, results from a C to G substitution at nucleotide position 4124. The alanine at codon 1375 is replaced by glycine, an amino acid with similar properties. This amino acid position is conserved. In addition, this alteration is predicted to be tolerated by in silico analysis. Based on the available evidence, the clinical significance of this variant remains unclear.

NM_000051.4(ATM):c.4124C>G (p.Ala1375Gly)

Gene: ATM (ATM serine/threonine kinase; plus strand). Cytogenetic location: 11q22.3.
Variant type: single nucleotide variant.
Coding change: c.4124C>G on transcript NM_000051.4 (MANE Select); coding-DNA position 4124, C replaced by G.
Protein change: p.Ala1375Gly; replaces alanine 1375 with glycine.
Molecular consequence: missense variant.
Genome position (GRCh38, 1-based): chr11:108,288,991, C>G. VCF-style: chr11-108288991-C-G. GRCh37 (hg19) VCF-style: chr11-108159718-C-G.
Other names: c.4124C>G, p.Ala1375Gly (NM_001351834.2); short protein forms A1375G.
Identifiers: ClinVar variation 3326766 (VCV003326766.1).
Genomic context (GRCh38, chr11:108,288,991, plus strand): 5'-AAACTTTTTAAAACGATGACTGTATTTTTTCCCTTAACTCTGTTAGGGATTTGGATCCTG[C>G]TCCTAATCCACCTCATTTTCCATCGCATGTGATTAAAGCAACATTTGCCTATATCAGCAA-3'
Protein context (NP_000042.3, residues 1365-1385): LCDFSGDLDP[Ala1375Gly]PNPPHFPSHV